The following is an entry in ClinVar:

NM_005733.3(KIF20A):c.142A>G (p.Thr48Ala)

Gene: KIF20A (kinesin family member 20A; plus strand). Cytogenetic location: 5q31.2.
Variant type: single nucleotide variant.
Coding change: c.142A>G on transcript NM_005733.3 (MANE Select); coding-DNA position 142, A replaced by G.
Protein change: p.Thr48Ala; replaces threonine 48 with alanine.
Molecular consequence: missense variant.
Genome position (GRCh38, 1-based): chr5:138,179,822, A>G. VCF-style: chr5-138179822-A-G. GRCh37 (hg19) VCF-style: chr5-137515511-A-G.
Other names: short protein forms T48A.
Identifiers: ClinVar variation 2269607 (VCV002269607.4), dbSNP rs1361252047, ClinGen allele CA361111812.
Genomic context (GRCh38, chr5:138,179,822, plus strand): 5'-GCTGCAGATTTGGGGTCTGTGGTACGCAAGAACCTGCTATCAGACTGCTCTGTCGTCTCT[A>G]CCTCCCTAGAGGACAAGCAGCAGGTAAAGGAACTGGGGAGTGGCTGGGGCGGAAAGTGAT-3'
Protein context (NP_005724.1, residues 38-58): NLLSDCSVVS[Thr48Ala]SLEDKQQVPS

ClinVar aggregate classification (germline): Uncertain significance. Review status: criteria provided, multiple submitters, no conflicts (2 of 4 stars). 2 submissions from 2 submitters: Uncertain significance (2). Last evaluated 2024-12-17.

Allele frequency attached by ClinVar (database versions not stated): gnomAD exomes below 0.00001; gnomAD 0.00001; TOPMed 0.00001.
gnomAD v4.1: 7 of 1,613,720 alleles (0.00043%); highest among the groups gnomAD compares: Non-Finnish European, 0.00059%; no homozygotes.

Submissions (2):

Labcorp Genetics (formerly Invitae), Labcorp
Classification: Uncertain significance. Last evaluated: 2024-12-17. Review status: criteria provided, single submitter. Criteria: Invitae Variant Classification Sherloc (09022015). Collection method: clinical testing. Allele origin: germline.
Comment: This sequence change replaces threonine, which is neutral and polar, with alanine, which is neutral and non-polar, at codon 48 of the KIF20A protein (p.Thr48Ala). This variant is present in population databases (no rsID available, gnomAD 0.007%). This variant has not been reported in the literature in individuals affected with KIF20A-related conditions. ClinVar contains an entry for this variant (Variation ID: 2269607). An algorithm developed to predict the effect of missense changes on protein structure and function outputs the following: PolyPhen-2: "Benign". The alanine amino acid residue is found in multiple mammalian species, which suggests that this missense change does not adversely affect protein function. In summary, the available evidence is currently insufficient to determine the role of this variant in disease. Therefore, it has been classified as a Variant of Uncertain Significance.

Ambry Genetics
Classification: Uncertain significance. Last evaluated: 2022-01-04. Review status: criteria provided, single submitter. Criteria: Ambry Variant Classification Scheme 2023. Collection method: clinical testing. Allele origin: germline.